The following is an entry in ClinVar:

ClinVar aggregate classification (germline): Uncertain significance (1 of 4 stars; one submission).

Conditions:
Familial thoracic aortic aneurysm and aortic dissection (TAAD). Also called: Thoracic aortic aneurysms and dissections. Identifiers: Orphanet 91387, MedGen C4707243, MONDO:0019625.

Submission:

Ambry Genetics
Classification: Uncertain significance for Familial thoracic aortic aneurysm and aortic dissection. Last evaluated: 2024-07-11. Review status: criteria provided, single submitter. Criteria: Ambry Variant Classification Scheme 2023. Collection method: clinical testing. Allele origin: germline.
Comment: The p.F250C variant (also known as c.749T>G), located in coding exon 4 of the TGFB2 gene, results from a T to G substitution at nucleotide position 749. The phenylalanine at codon 250 is replaced by cysteine, an amino acid with highly dissimilar properties. This amino acid position is conserved. In addition, this alteration is predicted to be deleterious by in silico analysis. Based on the available evidence, the clinical significance of this variant remains unclear.

NM_003238.6(TGFB2):c.749T>G (p.Phe250Cys)

Gene: TGFB2 (transforming growth factor beta 2; plus strand). Cytogenetic location: 1q41.
Variant type: single nucleotide variant.
Coding change: c.749T>G on transcript NM_003238.6 (MANE Select); coding-DNA position 749, T replaced by G.
Protein change: p.Phe250Cys; replaces phenylalanine 250 with cysteine.
Molecular consequence: missense variant. On other transcripts: non-coding transcript variant (2).
Genome position (GRCh38, 1-based): chr1:218,434,443, T>G. VCF-style: chr1-218434443-T-G. GRCh37 (hg19) VCF-style: chr1-218607785-T-G.
Other names: c.833T>G, p.Phe278Cys (NM_001135599.4); short protein forms F250C, F278C.
Identifiers: ClinVar variation 3455793 (VCV003455793.1).